The following is an entry in ClinVar:

NM_016239.4(MYO15A):c.8147A>G (p.Gln2716Arg)

Gene: MYO15A (myosin XVA; plus strand). Cytogenetic location: 17p11.2.
Variant type: single nucleotide variant.
Coding change: c.8147A>G on transcript NM_016239.4 (MANE Select); coding-DNA position 8147, A replaced by G.
Protein change: p.Gln2716Arg; replaces glutamine 2716 with arginine.
Molecular consequence: missense variant.
Genome position (GRCh38, 1-based): chr17:18,154,189, A>G. VCF-style: chr17-18154189-A-G. GRCh37 (hg19) VCF-style: chr17-18057503-A-G.
Other names: c.8147A>G (NM_016239.3); short protein forms Q2716R.
Identifiers: ClinVar variation 1488149 (VCV001488149.16), dbSNP rs756607995, ClinGen allele CA8425050.

ClinVar aggregate classification (germline): Conflicting classifications of pathogenicity. Review status: criteria provided, conflicting classifications (1 of 4 stars). 6 submissions from 6 submitters: Likely pathogenic (2); Uncertain significance (4). Last evaluated 2026-06-01.

Conditions:
Autosomal recessive nonsyndromic hearing loss 3. Also called: NEUROSENSORY NONSYNDROMIC RECESSIVE DEAFNESS 3. Identifiers: Orphanet 90636, MedGen C1838263, MONDO:0010860, OMIM 600316.

Allele frequency attached by ClinVar (database versions not stated): gnomAD exomes below 0.00001 and 0.00001; ExAC 0.00001.
gnomAD v4.1: 3 of 1,614,010 alleles (0.00019%); highest among the groups gnomAD compares: Admixed American, 0.005%; no homozygotes.

Submissions (6):

CeGaT Center for Human Genetics Tuebingen
Classification: Uncertain significance. Last evaluated: 2026-06-01. Review status: criteria provided, single submitter. Criteria: CeGaT Center For Human Genetics Tuebingen Variant Classification Criteria Version 2. Collection method: clinical testing. Allele origin: germline. Affected: yes. Observed: 1 variant allele.
Comment: MYO15A: PM2, PM3:Supporting, PM5:Supporting

Women's Health and Genetics/Laboratory Corporation of America, LabCorp
Classification: Uncertain significance. Last evaluated: 2025-06-26. Review status: criteria provided, single submitter. Criteria: LabCorp Variant Classification Summary - May 2015. Collection method: clinical testing. Allele origin: germline.
Comment: Variant summary: MYO15A c.8147A>G (p.Gln2716Arg) results in a conservative amino acid change in the encoded protein sequence. Algorithms developed to predict the effect of missense changes on protein structure and function are either unavailable or do not agree on the potential impact of this missense change. Several computational tools predict a significant impact on normal splicing: Three of four tools predict the variant abolishes or weakens a 5' splicing donor site. However, these predictions have yet to be confirmed by functional studies. The variant allele was found at a frequency of 4e-06 in 249354 control chromosomes. The available data on variant occurrences in the general population are insufficient to allow any conclusion about variant significance. c.8147A>G has been observed in individual(s) affected with Autosomal Recessive Nonsyndromic Hearing Loss (internal data). These data do not allow any conclusion about variant significance. To our knowledge, no experimental evidence demonstrating an impact on protein function has been reported. ClinVar contains an entry for this variant (Variation ID: 1488149). Based on the evidence outlined above, the variant was classified as uncertain significance.

GeneDx
Classification: Uncertain significance. Last evaluated: 2025-01-08. Review status: criteria provided, single submitter. Criteria: GeneDx Variant Classification Process June 2021. Collection method: clinical testing. Allele origin: germline.
Comment: Not observed at significant frequency in large population cohorts (gnomAD); In silico analysis supports that this missense variant has a deleterious effect on protein structure/function; Has not been previously published as pathogenic or benign to our knowledge

Labcorp Genetics (formerly Invitae), Labcorp
Classification: Likely pathogenic. Last evaluated: 2024-06-22. Review status: criteria provided, single submitter. Criteria: Invitae Variant Classification Sherloc (09022015). Collection method: clinical testing. Allele origin: germline.
Comment: This sequence change replaces glutamine, which is neutral and polar, with arginine, which is basic and polar, at codon 2716 of the MYO15A protein (p.Gln2716Arg). This variant is present in population databases (rs756607995, gnomAD 0.003%). This missense change has been observed in individual(s) with clinical features of autosomal recessive deafness (Invitae). In at least one individual the data is consistent with being in trans (on the opposite chromosome) from a pathogenic variant. ClinVar contains an entry for this variant (Variation ID: 1488149). Experimental studies and prediction algorithms are not available or were not evaluated, and the functional significance of this variant is currently unknown. Algorithms developed to predict the effect of sequence changes on RNA splicing suggest that this variant may disrupt the consensus splice site. This variant disrupts the p.Gln2716 amino acid residue in MYO15A. Other variant(s) that disrupt this residue have been determined to be pathogenic (PMID: 11735029). This suggests that this residue is clinically significant, and that variants that disrupt this residue are likely to be disease-causing. In summary, the currently available evidence indicates that the variant is pathogenic, but additional data are needed to prove that conclusively. Therefore, this variant has been classified as Likely Pathogenic.

Fulgent Genetics
Classification: Likely pathogenic for Autosomal recessive nonsyndromic hearing loss 3. Last evaluated: 2024-06-06. Review status: criteria provided, single submitter. Criteria: ACMG Guidelines, 2015. Collection method: clinical testing. Allele origin: germline.

Blueprint Genetics
Classification: Uncertain significance. Last evaluated: 2023-02-08. Review status: criteria provided, single submitter. Criteria: ACMG Guidelines, 2015. Collection method: clinical testing. Allele origin: germline.

Literature cited by the submitters: PubMed 11735029 (cited by Labcorp Genetics (formerly Invitae), Labcorp).